The following is an entry in ClinVar:

NM_198075.4(LRRC56):c.1376G>A (p.Arg459Gln)

Gene: LRRC56 (leucine rich repeat containing 56; plus strand). Cytogenetic location: 11p15.5.
Variant type: single nucleotide variant.
Coding change: c.1376G>A on transcript NM_198075.4 (MANE Select); coding-DNA position 1376, G replaced by A.
Protein change: p.Arg459Gln; replaces arginine 459 with glutamine.
Molecular consequence: missense variant.
Genome position (GRCh38, 1-based): chr11:554,023, G>A. VCF-style: chr11-554023-G-A. GRCh37 (hg19) VCF-style: chr11-554023-G-A.
Other names: short protein forms R459Q.
Identifiers: ClinVar variation 1975669 (VCV001975669.5), dbSNP rs138645102, ClinGen allele CA5780090.
Genomic context (GRCh38, chr11:554,023, plus strand): 5'-AGCCCTCCGGGACCTCGAGCCAGCACCTGGTCCCTTCACCTCCCAAGCACCCAAGGCCAC[G>A]AGATTCTGGCAGCAGCTCCCCGCGGTGGTCGACAGACCTGCAGTCCAGGGGGCGTCGGCT-3'
Protein context (NP_932341.1, residues 449-469): VPSPPKHPRP[Arg459Gln]DSGSSSPRWS

ClinVar aggregate classification (germline): Uncertain significance (1 of 4 stars; one submission).

Allele frequency attached by ClinVar (database versions not stated): ExAC 0.00001; gnomAD 0.00001; gnomAD exomes 0.00001; TOPMed 0.00001.

Submission:

Labcorp Genetics (formerly Invitae), Labcorp
Classification: Uncertain significance. Last evaluated: 2022-04-20. Review status: criteria provided, single submitter. Criteria: Invitae Variant Classification Sherloc (09022015). Collection method: clinical testing. Allele origin: germline.
Comment: This sequence change replaces arginine, which is basic and polar, with glutamine, which is neutral and polar, at codon 459 of the LRRC56 protein (p.Arg459Gln). This variant is present in population databases (rs138645102, gnomAD 0.003%). This variant has not been reported in the literature in individuals affected with LRRC56-related conditions. Algorithms developed to predict the effect of missense changes on protein structure and function (SIFT, PolyPhen-2, Align-GVGD) all suggest that this variant is likely to be tolerated. In summary, the available evidence is currently insufficient to determine the role of this variant in disease. Therefore, it has been classified as a Variant of Uncertain Significance.